The following is an entry in ClinVar:

NM_000535.7(PMS2):c.558G>C (p.Gln186His)

Gene: PMS2 (PMS1 homolog 2, mismatch repair system component; minus strand). Cytogenetic location: 7p22.1.
Variant type: single nucleotide variant.
Coding change: c.558G>C on transcript NM_000535.7 (MANE Select); coding-DNA position 558, G replaced by C.
Protein change: p.Gln186His; replaces glutamine 186 with histidine.
Molecular consequence: missense variant. On other transcripts: non-coding transcript variant (1), intron variant (3).
Genome position (GRCh38, 1-based): chr7:5,999,255, C>G on the plus strand (G>C on the coding strand, the complement: PMS2 is on the minus strand). VCF-style: chr7-5999255-C-G. GRCh37 (hg19) VCF-style: chr7-6038886-C-G.
Other names: c.153G>C, p.Gln51His (NM_001322003.2, NM_001322004.2, NM_001322005.2 and 2 more transcripts); c.558G>C, p.Gln186His (NM_001322006.2, NM_001322014.2); c.240G>C, p.Gln80His (NM_001322007.2, NM_001322008.2); c.249G>C, p.Gln83His (NM_001322015.2); c.133-1832G>C (NM_001322013.2); c.-347-29G>C (NM_001322012.2, NM_001322011.2); short protein forms Q186H, Q51H, Q83H, Q80H.
Identifiers: ClinVar variation 574122 (VCV000574122.16), dbSNP rs769411134, ClinGen allele CA366744094.
Genomic context (GRCh38, chr7:5,999,255, plus strand): 5'-AAGCTGATTGGTGCAACTTACACGGATGCCTGCTGAAATGATACAGTATGCATGTAAGAC[C>G]TGGACCATTTTGGCATACTCCTGTTTAAAAAACACAAACACAATATTCTACATTACTTTA-3'
Protein context (NP_000526.2, residues 176-196): NIKKEYAKMV[Gln186His]VLHAYCIISA

ClinVar aggregate classification (germline): Uncertain significance. Review status: criteria provided, multiple submitters, no conflicts (2 of 4 stars). 4 submissions from 4 submitters: Uncertain significance (4). Last evaluated 2024-09-29.

Conditions:
Hereditary nonpolyposis colorectal neoplasms. Identifiers: MedGen C0009405, MeSH D003123.
Hereditary cancer-predisposing syndrome. Also called: Neoplastic Syndromes, Hereditary; Hereditary Cancer Syndrome; Tumor predisposition; Hereditary neoplastic syndrome. Identifiers: Orphanet 140162, MedGen C0027672, MeSH D009386, MONDO:0015356.

Submissions (4):

Labcorp Genetics (formerly Invitae), Labcorp
Classification: Uncertain significance for Hereditary nonpolyposis colorectal neoplasms. Last evaluated: 2024-09-29. Review status: criteria provided, single submitter. Criteria: Invitae Variant Classification Sherloc (09022015). Collection method: clinical testing. Allele origin: germline.
Comment: This sequence change replaces glutamine, which is neutral and polar, with histidine, which is basic and polar, at codon 186 of the PMS2 protein (p.Gln186His). This variant is not present in population databases (gnomAD no frequency). This variant has not been reported in the literature in individuals affected with PMS2-related conditions. ClinVar contains an entry for this variant (Variation ID: 574122). Invitae Evidence Modeling of protein sequence and biophysical properties (such as structural, functional, and spatial information, amino acid conservation, physicochemical variation, residue mobility, and thermodynamic stability) indicates that this missense variant is not expected to disrupt PMS2 protein function with a negative predictive value of 80%. In summary, the available evidence is currently insufficient to determine the role of this variant in disease. Therefore, it has been classified as a Variant of Uncertain Significance.

Ambry Genetics
Classification: Uncertain significance for Hereditary cancer-predisposing syndrome. Last evaluated: 2024-06-30. Review status: criteria provided, single submitter. Criteria: Ambry Variant Classification Scheme 2023. Collection method: clinical testing. Allele origin: germline.
Comment: The p.Q186H variant (also known as c.558G>C), located in coding exon 6 of the PMS2 gene, results from a G to C substitution at nucleotide position 558. The glutamine at codon 186 is replaced by histidine, an amino acid with highly similar properties. This amino acid position is not well conserved in available vertebrate species. In addition, this alteration is predicted to be tolerated by in silico analysis. Since supporting evidence is limited at this time, the clinical significance of this alteration remains unclear.

Color Diagnostics, LLC DBA Color Health
Classification: Uncertain significance for Hereditary cancer-predisposing syndrome. Last evaluated: 2024-03-06. Review status: criteria provided, single submitter. Criteria: ACMG Guidelines, 2015. Collection method: clinical testing. Allele origin: germline.
Comment: This missense variant replaces glutamine with histidine at codon 186 of the PMS2 protein. Computational prediction suggests that this variant may not impact protein structure and function (internally defined REVEL score threshold <= 0.5, PMID: 27666373). To our knowledge, functional studies have not been reported for this variant. This variant has not been reported in individuals affected with PMS2-related disorders in the literature. This variant has not been identified in the general population by the Genome Aggregation Database (gnomAD). The available evidence is insufficient to determine the role of this variant in disease conclusively. Therefore, this variant is classified as a Variant of Uncertain Significance.

GeneDx
Classification: Uncertain significance. Last evaluated: 2023-09-07. Review status: criteria provided, single submitter. Criteria: GeneDx Variant Classification Process June 2021. Collection method: clinical testing. Allele origin: germline. Affected: yes.
Comment: Not observed at significant frequency in large population cohorts (gnomAD); In silico analysis supports that this missense variant does not alter protein structure/function; Has not been previously published as pathogenic or benign to our knowledge; This variant is associated with the following publications: (PMID: 11574484)